The following is an entry in ClinVar:

ClinVar aggregate classification (germline): Uncertain significance (1 of 4 stars; one submission).

Conditions:
Inborn genetic diseases. Identifiers: MedGen C0950123, MeSH D030342.

Submission:

Ambry Genetics
Classification: Uncertain significance for Inborn genetic diseases. Last evaluated: 2025-03-08. Review status: criteria provided, single submitter. Criteria: Ambry Variant Classification Scheme 2023. Collection method: clinical testing. Allele origin: germline.
Comment: The p.R274S variant (also known as c.820C>A), located in coding exon 7 of the HAX1 gene, results from a C to A substitution at nucleotide position 820. The arginine at codon 274 is replaced by serine, an amino acid with dissimilar properties. This amino acid position is conserved. In addition, the in silico prediction for this alteration is inconclusive. Based on the available evidence, the clinical significance of this variant remains unclear.

NM_006118.4(HAX1):c.820C>A (p.Arg274Ser)

Gene: HAX1 (HCLS1 associated protein X-1; plus strand). Cytogenetic location: 1q21.3.
Variant type: single nucleotide variant.
Coding change: c.820C>A on transcript NM_006118.4 (MANE Select); coding-DNA position 820, C replaced by A.
Protein change: p.Arg274Ser; replaces arginine 274 with serine.
Molecular consequence: missense variant.
Genome position (GRCh38, 1-based): chr1:154,275,681, C>A. VCF-style: chr1-154275681-C-A. GRCh37 (hg19) VCF-style: chr1-154248157-C-A.
Other names: c.676C>A, p.Arg226Ser (NM_001018837.2); short protein forms R226S, R274S.
Identifiers: ClinVar variation 3856906 (VCV003856906.1).
Genomic context (GRCh38, chr1:154,275,681, plus strand): 5'-GAATCACCAAGACCTCCAGCCCTGGATGATGCCTTTTCCATCCTGGACTTATTCCTGGGA[C>A]GTTGGTTCCGGTCCCGGTAGCCTTGTTAACCCTCAGAGGCCTTCAAGTCCTTTCCACCTC-3'
Protein context (NP_006109.2, residues 264-279): AFSILDLFLG[Arg274Ser]WFRSR